The following is an entry in ClinVar:

ClinVar aggregate classification (germline): Uncertain significance (1 of 4 stars; one submission).

Conditions:
Luscan-Lumish syndrome. Identifiers: Orphanet 597738, MedGen C4085873, MONDO:0014791, OMIM 616831.

Allele frequency attached by ClinVar (database versions not stated): gnomAD exomes 0.00001.
gnomAD v4.1: 3 of 1,613,938 alleles (0.00019%); highest among the groups gnomAD compares: Non-Finnish European, 0.00025%; no homozygotes.

Submission:

Labcorp Genetics (formerly Invitae), Labcorp
Classification: Uncertain significance for Luscan-lumish syndrome. Last evaluated: 2018-02-28. Review status: criteria provided, single submitter. Criteria: Invitae Variant Classification Sherloc (09022015). Collection method: clinical testing. Allele origin: germline.
Comment: This sequence change replaces cysteine with tyrosine at codon 836 of the SETD2 protein (p.Cys836Tyr). The cysteine residue is moderately conserved and there is a large physicochemical difference between cysteine and tyrosine. This variant is not present in population databases (ExAC no frequency). This variant has not been reported in the literature in individuals with SETD2-related disease. Algorithms developed to predict the effect of missense changes on protein structure and function output the following: SIFT: "Tolerated"; PolyPhen-2: "Benign"; Align-GVGD: "Class C0". The tyrosine amino acid residue is found in multiple mammalian species, suggesting that this missense change does not adversely affect protein function. These predictions have not been confirmed by published functional studies and their clinical significance is uncertain. In summary, the available evidence is currently insufficient to determine the role of this variant in disease. Therefore, it has been classified as a Variant of Uncertain Significance.

NM_014159.7(SETD2):c.2507G>A (p.Cys836Tyr)

Gene: SETD2 (SET domain containing 2, histone lysine methyltransferase; minus strand). Cytogenetic location: 3p21.31.
Variant type: single nucleotide variant.
Coding change: c.2507G>A on transcript NM_014159.7 (MANE Select); coding-DNA position 2507, G replaced by A.
Protein change: p.Cys836Tyr; replaces cysteine 836 with tyrosine.
Molecular consequence: missense variant. On other transcripts: non-coding transcript variant (1).
Genome position (GRCh38, 1-based): chr3:47,122,129, C>T on the plus strand (G>A on the coding strand, the complement: SETD2 is on the minus strand). VCF-style: chr3-47122129-C-T. GRCh37 (hg19) VCF-style: chr3-47163619-C-T.
Other names: c.2375G>A, p.Cys792Tyr (NM_001349370.3); short protein forms C836Y, C792Y.
Identifiers: ClinVar variation 571253 (VCV000571253.1), dbSNP rs1559745772, ClinGen allele CA352526221.